The following is an entry in ClinVar:

ClinVar aggregate classification (germline): Pathogenic (1 of 4 stars; one submission).

Conditions:
Retinitis pigmentosa 25 (RP25). Identifiers: Orphanet 791, MedGen C1864446, MONDO:0011272, OMIM 602772.

Submission:

Myriad Genetics, Inc.
Classification: Pathogenic for Retinitis pigmentosa 25. Last evaluated: 2024-05-14. Review status: criteria provided, single submitter. Criteria: Myriad Autosomal Dominant, Autosomal Recessive and X-Linked Classification Criteria (2023). Collection method: clinical testing. Allele origin: unknown.
Comment: NM_001142800.1(EYS):c.5794G>T(G1932*) is expected to be pathogenic in the context of retinitis pigmentosa, EYS-related. This variant is predicted to lead to an abnormal or absent protein product due to the creation of a premature termination codon in EYS, a gene where loss-of-function variants are known to be pathogenic. Please note: this variant was assessed in the context of healthy population screening.

NM_001142800.2(EYS):c.5794G>T (p.Gly1932Ter)

Gene: EYS (EGF-like photoreceptor maintenance factor; minus strand). Cytogenetic location: 6q12.
Variant type: single nucleotide variant.
Coding change: c.5794G>T on transcript NM_001142800.2 (MANE Select); coding-DNA position 5794, G replaced by T.
Protein change: p.Gly1932Ter; replaces glycine 1932 with a stop codon.
Molecular consequence: nonsense.
Genome position (GRCh38, 1-based): chr6:64,439,203, C>A on the plus strand (G>T on the coding strand, the complement: EYS is on the minus strand). VCF-style: chr6-64439203-C-A. GRCh37 (hg19) VCF-style: chr6-65149096-C-A.
Other names: c.5794G>T, p.Gly1932Ter (NM_001292009.2); short protein forms G1932*.
Identifiers: ClinVar variation 5010911 (VCV005010911.1).